The following is an entry in ClinVar:

ClinVar aggregate classification (germline): Uncertain significance (1 of 4 stars; one submission).

gnomAD v4.1: 40 of 1,610,782 alleles (0.0025%); highest among the groups gnomAD compares: Non-Finnish European, 0.0029%; no homozygotes.

Submission:

Ambry Genetics
Classification: Uncertain significance. Last evaluated: 2025-05-06. Review status: criteria provided, single submitter. Criteria: Ambry Variant Classification Scheme 2023. Collection method: clinical testing. Allele origin: germline.
Comment: The p.V517I variant (also known as c.1549G>A), located in coding exon 15 of the RASA2 gene, results from a G to A substitution at nucleotide position 1549. The valine at codon 517 is replaced by isoleucine, an amino acid with highly similar properties. This amino acid position is conserved. In addition, this alteration is predicted to be tolerated by in silico analysis. Based on the available evidence, the clinical significance of this variant remains unclear.

NM_006506.5(RASA2):c.1549G>A (p.Val517Ile)

Gene: RASA2 (RAS p21 protein activator 2; plus strand). Cytogenetic location: 3q23.
Variant type: single nucleotide variant.
Coding change: c.1549G>A on transcript NM_006506.5 (MANE Select); coding-DNA position 1549, G replaced by A.
Protein change: p.Val517Ile; replaces valine 517 with isoleucine.
Molecular consequence: missense variant.
Genome position (GRCh38, 1-based): chr3:141,577,065, G>A. VCF-style: chr3-141577065-G-A. GRCh37 (hg19) VCF-style: chr3-141295907-G-A.
Other names: c.1549G>A, p.Val517Ile (NM_001303245.3, NM_001303246.3); short protein forms V517I.
Identifiers: ClinVar variation 3942996 (VCV003942996.1).